The following is an entry in ClinVar:

Single allele

Genes: PLEKHA3 (pleckstrin homology domain containing A3; plus strand), TTN-AS1 (TTN antisense RNA 1; plus strand), TTN (titin; minus strand), LOC129935183 (ATAC-STARR-seq lymphoblastoid active region 16808; plus strand), LOC129935182 (ATAC-STARR-seq lymphoblastoid active region 16807; plus strand) and 9 more. Cytogenetic location: 2q31.2.
Variant type: Deletion.
Identifiers: ClinVar variation 560108 (VCV000560108.3).

ClinVar aggregate classification (germline): Likely pathogenic (1 of 4 stars; one submission).

Conditions:
Dilated cardiomyopathy 1G (CMD1G). Identifiers: Orphanet 154, MedGen C1858763, MONDO:0011400, OMIM 604145.

Submission:

Geisinger Autism and Developmental Medicine Institute, Geisinger Health System
Classification: Likely pathogenic for Dilated cardiomyopathy 1G. Last evaluated: 2017-12-04. Review status: criteria provided, single submitter. Criteria: ACMG CNV Guidelines, 2011. Collection method: provider interpretation. Allele origin: maternal.
Comment: A mitochondrial disorder has previously been suspected. The deletion includes a portion of the TTN and PLEKHA3 genes. PLEKHA3 has not been associated with a known condition at this time. TTN, however, is expressed in the skeletal and cardiac muscles and has been associated with several conditions including isolated cardiomyopathies, limb-girdle muscular dystrophy, proximal myopathy with early respiratory involvement, Salih myopathy, and Tibial muscular dystrophy. The deletion includes exons 229-313 of the TTN gene. This deletion includes the A and M bands of the protein and this particular deletion has not been reported previously. Deletions and loss of function variants in TTN that impact the A and M bands, such as the deletion found in this patient, are associated with isolated cardiomyopathies. 18-25% of dilated cardiomyopathies have been associated with such TTN variants. Deletions such as this have also been detected in healthy individuals (Herman et al. 2012). This could be due to reduced penetrance, however.

Literature cited by the submitters: PubMed 22335739.